The following is an entry in ClinVar:

NM_017654.4(SAMD9):c.242A>T (p.Asp81Val)

Gene: SAMD9 (sterile alpha motif domain containing 9; minus strand). Cytogenetic location: 7q21.2.
Variant type: single nucleotide variant.
Coding change: c.242A>T on transcript NM_017654.4 (MANE Select); coding-DNA position 242, A replaced by T.
Protein change: p.Asp81Val; replaces aspartic acid 81 with valine.
Molecular consequence: missense variant.
Genome position (GRCh38, 1-based): chr7:93,105,856, T>A on the plus strand (A>T on the coding strand, the complement: SAMD9 is on the minus strand). VCF-style: chr7-93105856-T-A. GRCh37 (hg19) VCF-style: chr7-92735169-T-A.
Other names: c.242A>T, p.Asp81Val (NM_001193307.2); short protein forms D81V.
Identifiers: ClinVar variation 1337100 (VCV001337100.10), dbSNP rs781518706, ClinGen allele CA4343184.
Genomic context (GRCh38, chr7:93,105,856, plus strand): 5'-ACAGTTTGGTCTTTAGGAGCATTTTTACTGGGCTTTCCCATCTTAGATGTCTGAATCGAA[T>A]CTTCAATGGCTGTTTTCCGCAATTCTTTGAATAGTTCTTCTATTTGAATAGCTGGTCCAT-3'
Protein context (NP_060124.2, residues 71-91): FKELRKTAIE[Asp81Val]SIQTSKMGKP

ClinVar aggregate classification (germline): Conflicting classifications of pathogenicity. Review status: criteria provided, conflicting classifications (1 of 4 stars). 4 submissions from 4 submitters: Uncertain significance (3); Likely benign (1). Last evaluated 2026-01-14.

Conditions:
Inborn genetic diseases. Identifiers: MedGen C0950123, MeSH D030342.

Allele frequency attached by ClinVar (database versions not stated): ExAC 0.00004; gnomAD exomes 0.00004 and 0.00005.

Submissions (4):

Labcorp Genetics (formerly Invitae), Labcorp
Classification: Uncertain significance. Last evaluated: 2026-01-14. Review status: criteria provided, single submitter. Criteria: Invitae Variant Classification Sherloc (09022015). Collection method: clinical testing. Allele origin: germline.
Comment: This sequence change replaces aspartic acid, which is acidic and polar, with valine, which is neutral and non-polar, at codon 81 of the SAMD9 protein (p.Asp81Val). This variant is present in population databases (rs781518706, gnomAD 0.06%). This variant has not been reported in the literature in individuals affected with SAMD9-related conditions. ClinVar contains an entry for this variant (Variation ID: 1337100). Invitae Evidence Modeling of protein sequence and biophysical properties (such as structural, functional, and spatial information, amino acid conservation, physicochemical variation, residue mobility, and thermodynamic stability) indicates that this missense variant is not expected to disrupt SAMD9 protein function with a negative predictive value of 95%. In summary, the available evidence is currently insufficient to determine the role of this variant in disease. Therefore, it has been classified as a Variant of Uncertain Significance.

Ambry Genetics
Classification: Likely benign for Inborn genetic diseases. Last evaluated: 2025-11-24. Review status: criteria provided, single submitter. Criteria: Ambry Variant Classification Scheme 2023. Collection method: clinical testing. Allele origin: germline.

GeneDx
Classification: Uncertain significance. Last evaluated: 2024-08-20. Review status: criteria provided, single submitter. Criteria: GeneDx Variant Classification Process June 2021. Collection method: clinical testing. Allele origin: germline.
Comment: In silico analysis indicates that this missense variant does not alter protein structure/function; Has not been previously published as pathogenic or benign to our knowledge

Genetic Services Laboratory, University of Chicago
Classification: Uncertain significance. Last evaluated: 2019-04-15. Review status: criteria provided, single submitter. Criteria: ACMG Guidelines, 2015. Collection method: clinical testing. Allele origin: germline. Affected: no.